The following is an entry in ClinVar:

NM_025179.4(PLXNA2):c.5521G>A (p.Ala1841Thr)

Gene: PLXNA2 (plexin A2; minus strand). Cytogenetic location: 1q32.2.
Variant type: single nucleotide variant.
Coding change: c.5521G>A on transcript NM_025179.4 (MANE Select); coding-DNA position 5521, G replaced by A.
Protein change: p.Ala1841Thr; replaces alanine 1841 with threonine.
Molecular consequence: missense variant.
Genome position (GRCh38, 1-based): chr1:208,028,077, C>T on the plus strand (G>A on the coding strand, the complement: PLXNA2 is on the minus strand). VCF-style: chr1-208028077-C-T. GRCh37 (hg19) VCF-style: chr1-208201422-C-T.
Other names: c.5521G>A (NM_025179.3); short protein forms A1841T.
Identifiers: ClinVar variation 2896040 (VCV002896040.4), dbSNP rs758935682, ClinGen allele CA1372539.
Genomic context (GRCh38, chr1:208,028,077, plus strand): 5'-TATACTTGCTGACATAGGAGTAGATCTCATTGAGGGCACTCAGCATGTTGAACTCCACGG[C>T]GTGCAGGCGGGACTGCTCGGCGAGGTAGGCATTCATGTCCTGGTCACTGATGGCTGGGAG-3'
Protein context (NP_079455.3, residues 1831-1851): AYLAEQSRLH[Ala1841Thr]VEFNMLSALN

ClinVar aggregate classification (germline): Uncertain significance. Review status: criteria provided, single submitter (1 of 4 stars). 2 submissions from 2 submitters: Uncertain significance (1). 1 of the submissions does not count toward it. Last evaluated 2024-02-14.

Conditions:
PLXNA2-related disorder. Also called: PLXNA2-related condition.

Allele frequency attached by ClinVar (database versions not stated): TOPMed 0.00002; ExAC 0.00003; gnomAD 0.00002.
gnomAD v4.1: 13 of 1,613,434 alleles (0.00081%); highest among the groups gnomAD compares: Admixed American, 0.0083%; no homozygotes.

Submissions (2):

Labcorp Genetics (formerly Invitae), Labcorp
Classification: Uncertain significance. Last evaluated: 2024-02-14. Review status: criteria provided, single submitter. Criteria: Invitae Variant Classification Sherloc (09022015). Collection method: clinical testing. Allele origin: germline.
Comment: This sequence change replaces alanine, which is neutral and non-polar, with threonine, which is neutral and polar, at codon 1841 of the PLXNA2 protein (p.Ala1841Thr). This variant is present in population databases (rs758935682, gnomAD 0.01%). This variant has not been reported in the literature in individuals affected with PLXNA2-related conditions. Advanced modeling of protein sequence and biophysical properties (such as structural, functional, and spatial information, amino acid conservation, physicochemical variation, residue mobility, and thermodynamic stability) performed at Invitae indicates that this missense variant is not expected to disrupt PLXNA2 protein function with a negative predictive value of 80%. In summary, the available evidence is currently insufficient to determine the role of this variant in disease. Therefore, it has been classified as a Variant of Uncertain Significance.

PreventionGenetics, part of Exact Sciences
Classification: Uncertain significance for PLXNA2-related condition. Last evaluated: 2024-04-04. Review status: no assertion criteria provided. Collection method: clinical testing. Allele origin: germline. Not counted in ClinVar's aggregate classification.
Comment: The PLXNA2 c.5521G>A variant is predicted to result in the amino acid substitution p.Ala1841Thr. To our knowledge, this variant has not been reported in the literature. This variant is reported in 0.012% of alleles in individuals of Latino descent in gnomAD. At this time, the clinical significance of this variant is uncertain due to the absence of conclusive functional and genetic evidence.